The following is an entry in ClinVar:

NM_130811.4(SNAP25):c.403C>T (p.Arg135Cys)

Gene: SNAP25 (synaptosome associated protein 25; plus strand). Cytogenetic location: 20p12.2.
Variant type: single nucleotide variant.
Coding change: c.403C>T on transcript NM_130811.4 (MANE Select); coding-DNA position 403, C replaced by T.
Protein change: p.Arg135Cys; replaces arginine 135 with cysteine.
Molecular consequence: missense variant.
Genome position (GRCh38, 1-based): chr20:10,297,046, C>T. VCF-style: chr20-10297046-C-T. GRCh37 (hg19) VCF-style: chr20-10277694-C-T.
Other names: c.403C>T, p.Arg135Cys (NM_001322902.2, NM_001322903.2, NM_001322904.2 and 9 more transcripts); short protein forms R135C.
Identifiers: ClinVar variation 2920439 (VCV002920439.3), dbSNP rs755378404, ClinGen allele CA9763367.

ClinVar aggregate classification (germline): Uncertain significance (1 of 4 stars; one submission).

Conditions:
Congenital myasthenic syndrome 18. Also called: MYASTHENIC SYNDROME, CONGENITAL, 18, WITH INTELLECTUAL DISABILITY AND ATAXIA. Identifiers: Orphanet 590, MedGen C4225364, MONDO:0014590, OMIM 616330.

Allele frequency attached by ClinVar (database versions not stated): ExAC 0.00002; gnomAD exomes 0.00001.

Submission:

Labcorp Genetics (formerly Invitae), Labcorp
Classification: Uncertain significance for Congenital myasthenic syndrome 18. Last evaluated: 2025-04-17. Review status: criteria provided, single submitter. Criteria: Invitae Variant Classification Sherloc (09022015). Collection method: clinical testing. Allele origin: germline.
Comment: This sequence change replaces arginine, which is basic and polar, with cysteine, which is neutral and slightly polar, at codon 135 of the SNAP25 protein (p.Arg135Cys). This variant is present in population databases (rs755378404, gnomAD 0.006%). This missense change has been observed in individual(s) with clinical features of SNAP25-related conditions (internal data). ClinVar contains an entry for this variant (Variation ID: 2920439). An algorithm developed to predict the effect of missense changes on protein structure and function (PolyPhen-2) suggests that this variant is likely to be disruptive. This variant disrupts the p.Arg135 amino acid residue in SNAP25. Other variant(s) that disrupt this residue have been observed in individuals with SNAP25-related conditions (PMID: 33299146), which suggests that this may be a clinically significant amino acid residue. In summary, the available evidence is currently insufficient to determine the role of this variant in disease. Therefore, it has been classified as a Variant of Uncertain Significance.

Literature cited by the submitters: PubMed 33299146.